The following is an entry in ClinVar:

NM_000535.7(PMS2):c.618T>C (p.Leu206=)

Gene: PMS2 (PMS1 homolog 2, mismatch repair system component; minus strand). Cytogenetic location: 7p22.1.
Variant type: single nucleotide variant.
Coding change: c.618T>C on transcript NM_000535.7 (MANE Select); coding-DNA position 618, T replaced by C.
Protein change: p.Leu206=; no amino-acid change (leucine 206 retained).
Molecular consequence: synonymous variant. On other transcripts: 5 prime UTR variant (2), non-coding transcript variant (1), intron variant (1).
Genome position (GRCh38, 1-based): chr7:5,999,195, A>G on the plus strand (T>C on the coding strand, the complement: PMS2 is on the minus strand). VCF-style: chr7-5999195-A-G. GRCh37 (hg19) VCF-style: chr7-6038826-A-G.
Other names: c.213T>C, p.Leu71= (NM_001322003.2, NM_001322004.2, NM_001322005.2 and 2 more transcripts); c.618T>C, p.Leu206= (NM_001322006.2, NM_001322014.2); c.300T>C, p.Leu100= (NM_001322007.2, NM_001322008.2); c.-316T>C (NM_001322011.2, NM_001322012.2); c.309T>C, p.Leu103= (NM_001322015.2); c.133-1772T>C (NM_001322013.2).
Identifiers: ClinVar variation 455731 (VCV000455731.15), dbSNP rs1554302439, ClinGen allele CA453647046.

ClinVar aggregate classification (germline): Benign/Likely benign. Review status: criteria provided, multiple submitters, no conflicts (2 of 4 stars). 3 submissions from 3 submitters: Benign (1); Likely benign (2). Last evaluated 2025-01-27.

Conditions:
Hereditary nonpolyposis colorectal neoplasms. Identifiers: MedGen C0009405, MeSH D003123.
Hereditary cancer-predisposing syndrome. Also called: Hereditary Cancer Syndrome; Hereditary neoplastic syndrome; Neoplastic Syndromes, Hereditary; Tumor predisposition. Identifiers: Orphanet 140162, MedGen C0027672, MeSH D009386, MONDO:0015356.
Lynch syndrome 4 (LYNCH4). Also called: Colorectal cancer, hereditary nonpolyposis, type 4; Hereditary non-polyposis colorectal cancer, type 4. Identifiers: Orphanet 144, MedGen C1838333, MONDO:0013699, OMIM 614337. Disease mechanism: loss of function.

Submissions (3):

Myriad Genetics, Inc.
Classification: Benign for Lynch syndrome 4. Last evaluated: 2025-01-27. Review status: criteria provided, single submitter. Criteria: Myriad Autosomal Dominant, Autosomal Recessive and X-Linked Classification Criteria (2023). Collection method: clinical testing. Allele origin: unknown.
Comment: This variant is considered benign. This variant is a silent/synonymous amino acid change and it is not expected to impact splicing.

Labcorp Genetics (formerly Invitae), Labcorp
Classification: Likely benign for Hereditary nonpolyposis colorectal neoplasms. Last evaluated: 2024-04-16. Review status: criteria provided, single submitter. Criteria: Invitae Variant Classification Sherloc (09022015). Collection method: clinical testing. Allele origin: germline.

Ambry Genetics
Classification: Likely benign for Hereditary cancer-predisposing syndrome. Last evaluated: 2018-12-14. Review status: criteria provided, single submitter. Criteria: Ambry Variant Classification Scheme 2023. Collection method: clinical testing. Allele origin: germline.